The following is an entry in ClinVar:

ClinVar aggregate classification (germline): Uncertain significance (1 of 4 stars; one submission).

gnomAD v4.1: 12 of 1,613,290 alleles (0.00074%); highest among the groups gnomAD compares: South Asian, 0.0011%; no homozygotes.

Submission:

CeGaT Center for Human Genetics Tuebingen
Classification: Uncertain significance. Last evaluated: 2026-04-01. Review status: criteria provided, single submitter. Criteria: CeGaT Center For Human Genetics Tuebingen Variant Classification Criteria Version 2. Collection method: clinical testing. Allele origin: germline. Affected: yes. Observed: 2 variant alleles.
Comment: PIKFYVE: PM2, BP4

NM_015040.4(PIKFYVE):c.2909C>T (p.Ala970Val)

Gene: PIKFYVE (phosphoinositide kinase, FYVE-type zinc finger containing; plus strand). Cytogenetic location: 2q34.
Variant type: single nucleotide variant.
Coding change: c.2909C>T on transcript NM_015040.4 (MANE Select); coding-DNA position 2909, C replaced by T.
Protein change: p.Ala970Val; replaces alanine 970 with valine.
Molecular consequence: missense variant.
Genome position (GRCh38, 1-based): chr2:208,325,720, C>T. VCF-style: chr2-208325720-C-T. GRCh37 (hg19) VCF-style: chr2-209190444-C-T.
Other names: short protein forms A970V.
Identifiers: ClinVar variation 4872494 (VCV004872494.2).